The following is an entry in ClinVar:

ClinVar aggregate classification (germline): Uncertain significance (1 of 4 stars; one submission).

Conditions:
Acromesomelic dysplasia 1, Maroteaux type (AMD1). Also called: ST. HELENA DYSPLASIA; ACROMESOMELIC DYSPLASIA 1. Identifiers: Orphanet 40, MedGen C1864356, MONDO:0011275, OMIM 602875.
Tall stature-scoliosis-macrodactyly of the great toes syndrome. Also called: Epiphyseal chondrodysplasia, miura type. Identifiers: Orphanet 329191, MedGen C4014690, MONDO:0014401, OMIM 615923.

gnomAD v4.1: 2 of 1,614,026 alleles (0.00012%); highest among the groups gnomAD compares: South Asian, 0.0011%; no homozygotes.

Submission:

Labcorp Genetics (formerly Invitae), Labcorp
Classification: Uncertain significance for Tall stature-scoliosis-macrodactyly of the great toes syndrome; Acromesomelic dysplasia 1, Maroteaux type. Last evaluated: 2025-07-14. Review status: criteria provided, single submitter. Criteria: Invitae Variant Classification Sherloc (09022015). Collection method: clinical testing. Allele origin: germline.
Comment: This sequence change replaces arginine, which is basic and polar, with glutamine, which is neutral and polar, at codon 669 of the NPR2 protein (p.Arg669Gln). This variant is not present in population databases (gnomAD no frequency). This variant has not been reported in the literature in individuals affected with NPR2-related conditions. Invitae Evidence Modeling of protein sequence and biophysical properties (such as structural, functional, and spatial information, amino acid conservation, physicochemical variation, residue mobility, and thermodynamic stability) indicates that this missense variant is not expected to disrupt NPR2 protein function with a negative predictive value of 80%. Algorithms developed to predict the effect of sequence changes on RNA splicing suggest that this variant may disrupt the consensus splice site. In summary, the available evidence is currently insufficient to determine the role of this variant in disease. Therefore, it has been classified as a Variant of Uncertain Significance.

NM_003995.4(NPR2):c.2006G>A (p.Arg669Gln)

Gene: NPR2 (natriuretic peptide receptor 2; plus strand). Cytogenetic location: 9p13.3.
Variant type: single nucleotide variant.
Coding change: c.2006G>A on transcript NM_003995.4 (MANE Select); coding-DNA position 2006, G replaced by A.
Protein change: p.Arg669Gln; replaces arginine 669 with glutamine.
Molecular consequence: missense variant.
Genome position (GRCh38, 1-based): chr9:35,805,629, G>A. VCF-style: chr9-35805629-G-A. GRCh37 (hg19) VCF-style: chr9-35805626-G-A.
Other names: c.2015G>A, p.Arg672Gln (NM_001378923.1); short protein forms R669Q, R672Q.
Identifiers: ClinVar variation 4790788 (VCV004790788.1).